The following is an entry in ClinVar:

ClinVar aggregate classification (germline): Likely benign. Review status: criteria provided, multiple submitters, no conflicts (2 of 4 stars). 2 submissions from 2 submitters: Likely benign (2). Last evaluated 2024-01-20.

Allele frequency attached by ClinVar (database versions not stated): ExAC 0.00001; TOPMed 0.00001; gnomAD exomes 0.00002.
gnomAD v4.1: 17 of 1,613,246 alleles (0.0011%); highest among the groups gnomAD compares: South Asian, 0.0066%; no homozygotes.

Submissions (2):

Labcorp Genetics (formerly Invitae), Labcorp
Classification: Likely benign. Last evaluated: 2024-01-20. Review status: criteria provided, single submitter. Criteria: Invitae Variant Classification Sherloc (09022015). Collection method: clinical testing. Allele origin: germline.

Laboratory for Molecular Medicine, Mass General Brigham Personalized Medicine
Classification: Likely benign. Last evaluated: 2015-08-26. Review status: criteria provided, single submitter. Criteria: LMM Criteria. Collection method: clinical testing. Allele origin: germline. Observed: 1 variant allele.
Comment: p.Asp669Asp in exon 17 of SLC26A4: This variant is not expected to have clinical significance because it does not alter an amino acid residue and is not located within the splice consensus sequence. It has been identified in 1/16408 South A sian chromosomes by the Exome Aggregation Consortium (ExAC).

NM_000441.2(SLC26A4):c.2007C>T (p.Asp669=)

Gene: SLC26A4 (solute carrier family 26 member 4; plus strand). Cytogenetic location: 7q22.3.
Variant type: single nucleotide variant.
Coding change: c.2007C>T on transcript NM_000441.2 (MANE Select); coding-DNA position 2007, C replaced by T.
Protein change: p.Asp669=; no amino-acid change (aspartic acid 669 retained).
Molecular consequence: synonymous variant.
Genome position (GRCh38, 1-based): chr7:107,702,030, C>T. VCF-style: chr7-107702030-C-T. GRCh37 (hg19) VCF-style: chr7-107342475-C-T.
Identifiers: ClinVar variation 227952 (VCV000227952.13), dbSNP rs749013429, ClinGen allele CA4432997.